The following is an entry in ClinVar:

ClinVar aggregate classification (germline): Uncertain significance (1 of 4 stars; one submission).

Conditions:
Hereditary spastic paraplegia 11. Also called: Spastic Paraplegia 11; Spastic paraplegia, mental retardation and thin corpus callosum; SPASTIC PARAPLEGIA, AUTOSOMAL RECESSIVE, COMPLICATED, WITH THIN CORPUS CALLOSUM; SPASTIC PARAPLEGIA, AUTOSOMAL RECESSIVE, WITH MENTAL IMPAIRMENT AND THIN CORPUS CALLOSUM; Nakamura Osame syndrome; Autosomal recessive hereditary spastic paraplegia, mental impairment, and thin corpus callosum. Identifiers: Orphanet 2822, MedGen C1858479, MONDO:0011445, OMIM 604360.

Allele frequency attached by ClinVar (database versions not stated): gnomAD exomes below 0.00001.
gnomAD v4.1: 1 of 1,613,802 alleles (0.000062%); highest among the groups gnomAD compares: Non-Finnish European, 0.000085%; no homozygotes.

Submission:

Labcorp Genetics (formerly Invitae), Labcorp
Classification: Uncertain significance for Hereditary spastic paraplegia 11. Last evaluated: 2022-08-09. Review status: criteria provided, single submitter. Criteria: Invitae Variant Classification Sherloc (09022015). Collection method: clinical testing. Allele origin: germline.
Comment: Algorithms developed to predict the effect of missense changes on protein structure and function are either unavailable or do not agree on the potential impact of this missense change (SIFT: "Tolerated"; PolyPhen-2: "Possibly Damaging"; Align-GVGD: "Class C0"). Algorithms developed to predict the effect of sequence changes on RNA splicing suggest that this variant may create or strengthen a splice site. In summary, the available evidence is currently insufficient to determine the role of this variant in disease. Therefore, it has been classified as a Variant of Uncertain Significance. This sequence change replaces lysine, which is basic and polar, with glutamic acid, which is acidic and polar, at codon 678 of the SPG11 protein (p.Lys678Glu). This variant is not present in population databases (gnomAD no frequency). This variant has not been reported in the literature in individuals affected with SPG11-related conditions. ClinVar contains an entry for this variant (Variation ID: 1436638).

NM_025137.4(SPG11):c.2032A>G (p.Lys678Glu)

Gene: SPG11 (SPG11 vesicle trafficking associated, spatacsin; minus strand). Cytogenetic location: 15q21.1.
Variant type: single nucleotide variant.
Coding change: c.2032A>G on transcript NM_025137.4 (MANE Select); coding-DNA position 2032, A replaced by G.
Protein change: p.Lys678Glu; replaces lysine 678 with glutamic acid.
Molecular consequence: missense variant.
Genome position (GRCh38, 1-based): chr15:44,628,704, T>C on the plus strand (A>G on the coding strand, the complement: SPG11 is on the minus strand). VCF-style: chr15-44628704-T-C. GRCh37 (hg19) VCF-style: chr15-44920902-T-C.
Other names: c.2032A>G, p.Lys678Glu (NM_001160227.2); short protein forms K678E.
Identifiers: ClinVar variation 1436638 (VCV001436638.6), dbSNP rs959317901, ClinGen allele CA270080446.
Genomic context (GRCh38, chr15:44,628,704, plus strand): 5'-AGAAGTGATGATTATTCGTACTTACCTCAAAGCTGAGTTTCTTCCATATATTGCTCTCCT[T>C]TACTTTGGGGACATTTTCATGTACATCATATTCATCTATAGCATCTGTTAGCTTCCAAGG-3'
Protein context (NP_079413.3, residues 668-688): YDVHENVPKV[Lys678Glu]ESNIWKKLSF